The following is an entry in ClinVar:

NM_016604.4(KDM3B):c.1301T>C (p.Val434Ala)

Gene: KDM3B (lysine demethylase 3B; plus strand). Cytogenetic location: 5q31.2.
Variant type: single nucleotide variant.
Coding change: c.1301T>C on transcript NM_016604.4 (MANE Select); coding-DNA position 1301, T replaced by C.
Protein change: p.Val434Ala; replaces valine 434 with alanine.
Molecular consequence: missense variant.
Genome position (GRCh38, 1-based): chr5:138,386,542, T>C. VCF-style: chr5-138386542-T-C. GRCh37 (hg19) VCF-style: chr5-137722231-T-C.
Other names: short protein forms V434A.
Identifiers: ClinVar variation 4981650 (VCV004981650.1).

ClinVar aggregate classification (germline): Uncertain significance (1 of 4 stars; one submission).

Conditions:
KDM3B-related disorder. Also called: KDM3B-related condition.

gnomAD v4.1: 310 of 1,614,038 alleles (0.019%); highest among the groups gnomAD compares: Admixed American, 0.028%; no homozygotes.

Submission:

PreventionGenetics, part of Exact Sciences
Classification: Uncertain significance for KDM3B-related condition. Last evaluated: 2025-04-11. Review status: criteria provided, single submitter. Criteria: ACMG Guidelines, 2015. Collection method: clinical testing. Allele origin: germline.
Comment: The KDM3B c.1301T>C variant is predicted to result in the amino acid substitution p.Val434Ala. This variant was reported as a predisposing germline variant in an individual with bilateral Wilms tumor (Supplementary Data 1, Murphy et al. 2023. PubMed ID: 38110397). This variant is reported in 0.020% of alleles in individuals of Latino descent in gnomAD and is absent from the ClinVar database at the time of reporting. At this time, the clinical significance of this variant is uncertain due to the absence of conclusive functional and genetic evidence.